The following is an entry in ClinVar:

ClinVar aggregate classification (germline): Uncertain significance (1 of 4 stars; one submission).

Allele frequency attached by ClinVar (database versions not stated): gnomAD exomes below 0.00001; ExAC 0.00001; gnomAD 0.00001; TOPMed 0.00003.
gnomAD v4.1: 3 of 1,614,036 alleles (0.00019%); highest among the groups gnomAD compares: Non-Finnish European, 0.00025%; no homozygotes.

Submission:

Labcorp Genetics (formerly Invitae), Labcorp
Classification: Uncertain significance. Last evaluated: 2025-10-29. Review status: criteria provided, single submitter. Criteria: Invitae Variant Classification Sherloc (09022015). Collection method: clinical testing. Allele origin: germline.
Comment: This sequence change replaces serine, which is neutral and polar, with phenylalanine, which is neutral and non-polar, at codon 546 of the FAT4 protein (p.Ser546Phe). This variant is present in population databases (rs750578772, gnomAD 0.002%). This variant has not been reported in the literature in individuals affected with FAT4-related conditions. ClinVar contains an entry for this variant (Variation ID: 2125696). Invitae Evidence Modeling of protein sequence and biophysical properties (such as structural, functional, and spatial information, amino acid conservation, physicochemical variation, residue mobility, and thermodynamic stability) indicates that this missense variant is expected to disrupt FAT4 protein function with a positive predictive value of 80%. In summary, the available evidence is currently insufficient to determine the role of this variant in disease. Therefore, it has been classified as a Variant of Uncertain Significance.

NM_001291303.3(FAT4):c.1637C>T (p.Ser546Phe)

Gene: FAT4 (FAT atypical cadherin 4; plus strand). Cytogenetic location: 4q28.1.
Variant type: single nucleotide variant.
Coding change: c.1637C>T on transcript NM_001291303.3 (MANE Select); coding-DNA position 1637, C replaced by T.
Protein change: p.Ser546Phe; replaces serine 546 with phenylalanine.
Molecular consequence: missense variant.
Genome position (GRCh38, 1-based): chr4:125,318,048, C>T. VCF-style: chr4-125318048-C-T. GRCh37 (hg19) VCF-style: chr4-126239203-C-T.
Other names: c.1637C>T, p.Ser546Phe (NM_001291285.3, NM_024582.6); short protein forms S546F.
Identifiers: ClinVar variation 2125696 (VCV002125696.3), dbSNP rs750578772, ClinGen allele CA3072024.